The following is an entry in ClinVar:

NM_006734.4(HIVEP2):c.5695G>A (p.Asp1899Asn)

Gene: HIVEP2 (HIVEP zinc finger 2; minus strand). Cytogenetic location: 6q24.2.
Variant type: single nucleotide variant.
Coding change: c.5695G>A on transcript NM_006734.4 (MANE Select); coding-DNA position 5695, G replaced by A.
Protein change: p.Asp1899Asn; replaces aspartic acid 1899 with asparagine.
Molecular consequence: missense variant.
Genome position (GRCh38, 1-based): chr6:142,760,593, C>T on the plus strand (G>A on the coding strand, the complement: HIVEP2 is on the minus strand). VCF-style: chr6-142760593-C-T. GRCh37 (hg19) VCF-style: chr6-143081730-C-T.
Other names: short protein forms D1899N.
Identifiers: ClinVar variation 3242132 (VCV003242132.1), dbSNP rs369985418.
Genomic context (GRCh38, chr6:142,760,593, plus strand): 5'-CTTCATCTTCATCATCATCATCATTATCATCTCCATCCTCACCATCTGATTCCTCAGCAT[C>T]GGAGAACTGATGATCAGTTGAAATGCTGGACATGCTATGCTTCTCTGCTGCTTTGTGCAA-3'
Protein context (NP_006725.3, residues 1889-1909): SSISTDHQFS[Asp1899Asn]AEESDGEDGD

ClinVar aggregate classification (germline): Uncertain significance (1 of 4 stars; one submission).

Conditions:
Intellectual developmental disorder, autosomal dominant 43. Also called: Intellectual disability, autosomal dominant 43. Identifiers: MedGen C4707429, MONDO:0014858, OMIM 616977.

Allele frequency attached by ClinVar (database versions not stated): ExAC 0.00001; ESP Exome Variant Server 0.00008.
gnomAD v4.1: 12 of 1,613,348 alleles (0.00074%); highest among the groups gnomAD compares: African/African-American, 0.0053%; no homozygotes.

Submission:

Neuberg Centre For Genomic Medicine, NCGM
Classification: Uncertain significance for Intellectual developmental disorder, autosomal dominant 43. Review status: criteria provided, single submitter. Criteria: ACMG Guidelines, 2015. Collection method: clinical testing. Allele origin: germline. Inheritance: Autosomal dominant inheritance. Affected: yes.
Comment: The observed missense c.5695G>A(p.Asp1899Asn) variant in HIVEP2 gene has not been reported previously as a pathogenic variant nor as a benign variant, to our knowledge. This variant is reported with the allele frequency of 0.0008% in the gnomAD Exomes. The amino acid Asp at position 1899 is changed to a Asn changing protein sequence and it might alter its composition and physico-chemical properties. The amino acid change p.Asp1899Asn in HIVEP2 is predicted as conserved by GERP++ and PhyloP across 100 vertebrates. Multiple lines of computational evidence (Polyphen - Damaging, SIFT - Damaging and MutationTaster - Disease causing) predict a damaging effect on protein structure and function for this variant. For these reasons, this variant has been classified as Uncertain Significance.